The following is an entry in ClinVar:

ClinVar aggregate classification (germline): Conflicting classifications of pathogenicity. Review status: criteria provided, conflicting classifications (1 of 4 stars). 3 submissions from 3 submitters: Likely pathogenic (1); Uncertain significance (2). Last evaluated 2023-01-21.

Conditions:
Mucolipidosis type II. Also called: ML II ALPHA/BETA; Mucolipidosis II Alpha/Beta; Mucolipidosis 2; ML 2; Inclusion cell disease; Leroy Disease. Identifiers: Orphanet 576, MedGen C2673377, MONDO:0009650, OMIM 252500.
Pseudo-Hurler polydystrophy. Also called: ML III; ML III ALPHA/BETA; MUCOLIPIDOSIS IIIA; Type III Mucolipidosis; ML IIIA; Mucolipidosis III Alpha/Beta. Identifiers: Orphanet 423461, Orphanet 577, MedGen C0033788, MONDO:0018931, OMIM 252600.

Allele frequency attached by ClinVar (database versions not stated): TOPMed 0.00001; 1000 Genomes Project 0.00020; gnomAD 0.00002; ExAC 0.00006; 1000 Genomes Project 30x 0.00016.

Submissions (3):

Women's Health and Genetics/Laboratory Corporation of America, LabCorp
Classification: Uncertain significance. Last evaluated: 2023-01-21. Review status: criteria provided, single submitter. Criteria: LabCorp Variant Classification Summary - May 2015. Collection method: clinical testing. Allele origin: germline.
Comment: Variant summary: GNPTAB c.202C>T (p.Arg68Trp) results in a non-conservative amino acid change in the encoded protein sequence. Four of five in-silico tools predict a damaging effect of the variant on protein function. 3/4 computational tools predict no significant impact on normal splicing, and 1/4 computational tools predict the variant abolishes a canonical 5' splicing donor site. However, these predictions have yet to be confirmed by functional studies. The variant allele was found at a frequency of 5.6e-05 in 251068 control chromosomes (gnomAD). This frequency is not significantly higher than expected for a pathogenic variant in GNPTAB causing Mucolipidosis (5.6e-05 vs 0.0022), allowing no conclusion about variant significance. To our knowledge, no occurrence of c.202C>T in individuals affected with Mucolipidosis and no experimental evidence demonstrating its impact on protein function have been reported. One ClinVar submitter has assessed the variant since 2014: the variant was classified as likely pathogenic. Based on the evidence outlined above, the variant was classified as uncertain significance.

Foundation for Research in Genetics and Endocrinology, FRIGE's Institute of Human Genetics
Classification: Likely pathogenic for Mucolipidosis type II. Last evaluated: 2022-08-01. Review status: criteria provided, single submitter. Criteria: ACMG Guidelines, 2015. Collection method: clinical testing. Allele origin: germline. Inheritance: Autosomal recessive inheritance. Affected: yes. Observed: 1 heterozygote.
Comment: A homozygous missense variation in exon 2 of the GNPTAB gene that results in the amino acid substitution of Tryptophan for Arginine at codon 202 was detected. The observed variant c.202C>T (p.Arg202Trp) has not been reported in the 1000 genomes and has a MAF of 0.005% in the gnomAD databases . The in silico prediction of the variant are possibly damaging by Mutation Taster. The reference codon is conserved across species.

Labcorp Genetics (formerly Invitae), Labcorp
Classification: Uncertain significance for Pseudo-Hurler polydystrophy; Mucolipidosis type II. Last evaluated: 2022-02-25. Review status: criteria provided, single submitter. Criteria: Invitae Variant Classification Sherloc (09022015). Collection method: clinical testing. Allele origin: germline.
Comment: This sequence change replaces arginine, which is basic and polar, with tryptophan, which is neutral and slightly polar, at codon 68 of the GNPTAB protein (p.Arg68Trp). This variant is present in population databases (rs531738916, gnomAD 0.04%). This variant has not been reported in the literature in individuals affected with GNPTAB-related conditions. Algorithms developed to predict the effect of missense changes on protein structure and function are either unavailable or do not agree on the potential impact of this missense change (SIFT: "Deleterious"; PolyPhen-2: "Probably Damaging"; Align-GVGD: "Class C15"). Algorithms developed to predict the effect of sequence changes on RNA splicing suggest that this variant may disrupt the consensus splice site. In summary, the available evidence is currently insufficient to determine the role of this variant in disease. Therefore, it has been classified as a Variant of Uncertain Significance.

NM_024312.5(GNPTAB):c.202C>T (p.Arg68Trp)

Gene: GNPTAB (N-acetylglucosamine-1-phosphate transferase subunits alpha and beta; minus strand). Cytogenetic location: 12q23.2.
Variant type: single nucleotide variant.
Coding change: c.202C>T on transcript NM_024312.5 (MANE Select); coding-DNA position 202, C replaced by T.
Protein change: p.Arg68Trp; replaces arginine 68 with tryptophan.
Molecular consequence: missense variant.
Genome position (GRCh38, 1-based): chr12:101,796,678, G>A on the plus strand (C>T on the coding strand, the complement: GNPTAB is on the minus strand). VCF-style: chr12-101796678-G-A. GRCh37 (hg19) VCF-style: chr12-102190456-G-A.
Other names: p.Arg68Trp; c.202C>T (NM_024312.4); short protein forms R68W.
Identifiers: ClinVar variation 1708559 (VCV001708559.7), dbSNP rs531738916, ClinGen allele CA6746982.